The following is an entry in ClinVar:

NM_000368.5(TSC1):c.2814-16G>A

Gene: TSC1 (TSC complex subunit 1; minus strand). Cytogenetic location: 9q34.13.
Variant type: single nucleotide variant.
Coding change: c.2814-16G>A on transcript NM_000368.5 (MANE Select); 16 bases into the intron before coding-DNA position 2814, G replaced by A.
Molecular consequence: intron variant.
Genome position (GRCh38, 1-based): chr9:132,897,361, C>T on the plus strand (G>A on the coding strand, the complement: TSC1 is on the minus strand). VCF-style: chr9-132897361-C-T. GRCh37 (hg19) VCF-style: chr9-135772748-C-T.
Other names: c.2448-16G>A (NM_001406620.1, NM_001406621.1, NM_001406622.1 and 1 more transcripts); c.2451-16G>A (NM_001406618.1, NM_001406617.1, NM_001406619.1 and 4 more transcripts); c.2406-16G>A (NM_001406625.1); c.2616-16G>A (NM_001406613.1); c.2658-16G>A (NM_001406612.1, NM_001406611.1); c.2661-16G>A (NM_001406610.1, NM_001162427.2); c.1860-16G>A (NM_001406627.1, NM_001406628.1); c.1761-16G>A (NM_001406629.1, NM_001406630.1); and 8 more.
Identifiers: ClinVar variation 2846496 (VCV002846496.3), dbSNP rs2131629228, ClinGen allele CA2720686252.
Genomic context (GRCh38, chr9:132,897,361, plus strand): 5'-CTTTTCTGAGCCTCATACCTGCTCTCTGCGGCCTGCAGCTGTCCTCTGAAAGATACAGAC[C>T]AGCCAGAATATAGGAAGTTCCACTTAATAAAAACACAAAAGCCTTTCCTGATGAAAGTTA-3'

ClinVar aggregate classification (germline): Uncertain significance (1 of 4 stars; one submission).

Conditions:
Tuberous sclerosis 1 (TSC1). Identifiers: Orphanet 805, MedGen C1854465, MONDO:0008612, OMIM 191100.

Submission:

Labcorp Genetics (formerly Invitae), Labcorp
Classification: Uncertain significance for Tuberous sclerosis 1. Last evaluated: 2023-03-17. Review status: criteria provided, single submitter. Criteria: Invitae Variant Classification Sherloc (09022015). Collection method: clinical testing. Allele origin: germline.
Comment: In summary, the available evidence is currently insufficient to determine the role of this variant in disease. Therefore, it has been classified as a Variant of Uncertain Significance. Studies have shown that this variant is associated with altered splicing resulting in unknown protein product impact (Invitae). This variant has not been reported in the literature in individuals affected with TSC1-related conditions. This variant is not present in population databases (gnomAD no frequency). This sequence change falls in intron 21 of the TSC1 gene. It does not directly change the encoded amino acid sequence of the TSC1 protein.